The following is an entry in ClinVar:

ClinVar aggregate classification (germline): Uncertain significance (1 of 4 stars; one submission).

Conditions:
Hereditary cancer-predisposing syndrome. Also called: Hereditary Cancer Syndrome; Neoplastic Syndromes, Hereditary; Tumor predisposition; Hereditary neoplastic syndrome. Identifiers: Orphanet 140162, MedGen C0027672, MeSH D009386, MONDO:0015356.

Submission:

Ambry Genetics
Classification: Uncertain significance for Hereditary cancer-predisposing syndrome. Last evaluated: 2026-07-07. Review status: criteria provided, single submitter. Criteria: Ambry Variant Classification Scheme 2023. Collection method: clinical testing. Allele origin: germline.
Comment: The p.I671V variant (also known as c.2011A>G), located in coding exon 16 of the EGFR gene, results from an A to G substitution at nucleotide position 2011. The isoleucine at codon 671 is replaced by valine, an amino acid with highly similar properties. This amino acid position is conserved. In addition, this alteration is predicted to be tolerated by in silico analysis. Based on the available evidence, the clinical significance of this variant remains unclear.

NM_005228.5(EGFR):c.1881-738A>G

Gene: EGFR (epidermal growth factor receptor; plus strand). Cytogenetic location: 7p11.2.
Variant type: single nucleotide variant.
Coding change: c.1881-738A>G on transcript NM_005228.5 (MANE Select); 738 bases into the intron before coding-DNA position 1881, A replaced by G.
Molecular consequence: intron variant. On other transcripts: missense variant (1).
Genome position (GRCh38, 1-based): chr7:55,170,437, A>G. VCF-style: chr7-55170437-A-G. GRCh37 (hg19) VCF-style: chr7-55238130-A-G.
Other names: c.2011A>G, p.Ile671Val (NM_201284.2); c.1746-738A>G (NM_001346899.2, NM_001346897.2); c.1080-738A>G (NM_001346941.2); c.1881-738A>G (NM_001346898.2); c.1722-738A>G (NM_001346900.2); short protein forms I671V.
Identifiers: ClinVar variation 5035762 (VCV005035762.1).